The following is an entry in ClinVar:

ClinVar aggregate classification (germline): Uncertain significance (1 of 4 stars; one submission).

Conditions:
Multiple endocrine neoplasia, type 2 (MEN2). Identifiers: Orphanet 653, MedGen C4048306, MONDO:0019003. Disease mechanism: gain of function.

Submission:

Labcorp Genetics (formerly Invitae), Labcorp
Classification: Uncertain significance for Multiple endocrine neoplasia, type 2. Last evaluated: 2019-11-17. Review status: criteria provided, single submitter. Criteria: Invitae Variant Classification Sherloc (09022015). Collection method: clinical testing. Allele origin: germline.
Comment: In summary, the available evidence is currently insufficient to determine the role of this variant in disease. Therefore, it has been classified as a Variant of Uncertain Significance. Algorithms developed to predict the effect of missense changes on protein structure and function are either unavailable or do not agree on the potential impact of this missense change (SIFT: "Deleterious"; PolyPhen-2: "Possibly Damaging"; Align-GVGD: "Class C0"). This variant has not been reported in the literature in individuals with RET-related conditions. This variant is not present in population databases (ExAC no frequency). This sequence change replaces valine with phenylalanine at codon 782 of the RET protein (p.Val782Phe). The valine residue is highly conserved and there is a small physicochemical difference between valine and phenylalanine.

NM_020975.6(RET):c.2344G>T (p.Val782Phe)

Gene: RET (ret proto-oncogene; plus strand). Cytogenetic location: 10q11.21.
Variant type: single nucleotide variant.
Coding change: c.2344G>T on transcript NM_020975.6 (MANE Select); coding-DNA position 2344, G replaced by T.
Protein change: p.Val782Phe; replaces valine 782 with phenylalanine.
Molecular consequence: missense variant.
Genome position (GRCh38, 1-based): chr10:43,118,432, G>T. VCF-style: chr10-43118432-G-T. GRCh37 (hg19) VCF-style: chr10-43613880-G-T.
Other names: c.2344G>T, p.Val782Phe (NM_000323.2, NM_001406743.1, NM_001406744.1 and 4 more transcripts); c.1582G>T, p.Val528Phe (NM_001355216.2); c.2215G>T, p.Val739Phe (NM_001406761.1, NM_001406762.1, NM_001406764.1); c.2209G>T, p.Val737Phe (NM_001406763.1, NM_001406765.1); c.2056G>T, p.Val686Phe (NM_001406766.1, NM_001406767.1, NM_001406770.1); c.2080G>T, p.Val694Phe (NM_001406768.1); c.1948G>T, p.Val650Phe (NM_001406769.1, NM_001406772.1); c.1906G>T, p.Val636Phe (NM_001406771.1, NM_001406773.1); and 10 more; short protein forms V782F, V528F, V739F, V299F, V440F, V443F, V452F, V540F.
Identifiers: ClinVar variation 834358 (VCV000834358.10), dbSNP rs1838124605, ClinGen allele CA376555758.